The following is an entry in ClinVar:

ClinVar aggregate classification (germline): Likely benign (1 of 4 stars; one submission).

Conditions:
Dilated cardiomyopathy 3B (CMD3B). Also called: CMD3B: DMD-Related Dilated Cardiomyopathy; CARDIOMYOPATHY, DILATED, X-LINKED; DMD-Associated Dilated Cardiomyopathy. Identifiers: Orphanet 154, MedGen C3668940, MONDO:0010542, OMIM 302045.

Submission:

Illumina Laboratory Services, Illumina
Classification: Likely benign for Dilated cardiomyopathy 3B. Last evaluated: 2017-08-30. Review status: criteria provided, single submitter. Criteria: ICSL Variant Classification Criteria 13 December 2019. Collection method: clinical testing. Allele origin: germline.
Comment: This variant was observed as part of a predisposition screen in an ostensibly healthy population. A literature search was performed for the gene, cDNA change, and amino acid change (where applicable). No publications were found based on this search. Allele frequency data from public databases allowed determination this variant is unlikely to cause disease. Therefore, this variant is classified as likely benign.

NM_004006.3(DMD):c.-22G>A

Gene: DMD (dystrophin; minus strand). Cytogenetic location: Xp21.1.
Variant type: single nucleotide variant.
Coding change: c.-22G>A on transcript NM_004006.3 (MANE Select); 22 bases upstream of the start codon, G replaced by A.
Molecular consequence: 5 prime UTR variant. On other transcripts: intron variant (1).
Genome position (GRCh38, 1-based): chrX:33,211,334, C>T on the plus strand (G>A on the coding strand, the complement: DMD is on the minus strand). VCF-style: chrX-33211334-C-T. GRCh37 (hg19) VCF-style: chrX-33229451-C-T.
Other names: c.7+127925G>A (NM_000109.4).
Identifiers: ClinVar variation 914621 (VCV000914621.4), dbSNP rs780710916, ClinGen allele CA10380305.